The following is an entry in ClinVar:

NM_001009944.3(PKD1):c.2239G>A (p.Ala747Thr)

Gene: PKD1 (polycystin 1, transient receptor potential channel interacting; minus strand). Cytogenetic location: 16p13.3.
Variant type: single nucleotide variant.
Coding change: c.2239G>A on transcript NM_001009944.3 (MANE Select); coding-DNA position 2239, G replaced by A.
Protein change: p.Ala747Thr; replaces alanine 747 with threonine.
Molecular consequence: missense variant.
Genome position (GRCh38, 1-based): chr16:2,114,784, C>T on the plus strand (G>A on the coding strand, the complement: PKD1 is on the minus strand). VCF-style: chr16-2114784-C-T. GRCh37 (hg19) VCF-style: chr16-2164785-C-T.
Other names: c.2239G>A, p.Ala747Thr (NM_000296.4); short protein forms A747T.
Identifiers: ClinVar variation 1806067 (VCV001806067.1), dbSNP rs796086075, ClinGen allele CA276782846.

ClinVar aggregate classification (germline): Likely benign (1 of 4 stars; one submission).

Conditions:
Polycystic kidney disease, adult type (PKD1). Also called: Polycystic Kidney Disease 1, Autosomal Dominant; Polycystic kidney disease 1; Polycystic kidney disease 1, severe; Polycystic Kidney, Autosomal Dominant; POLYCYSTIC KIDNEY DISEASE 1 WITH OR WITHOUT POLYCYSTIC LIVER DISEASE; POLYCYSTIC KIDNEY DISEASE, ADULT, TYPE I. Identifiers: MedGen C3149841, MONDO:0008263, OMIM 173900.

Allele frequency attached by ClinVar (database versions not stated): gnomAD 0.00001; TOPMed 0.00001; gnomAD exomes 0.00003.
gnomAD v4.1: 33 of 1,284,262 alleles (0.0026%); highest among the groups gnomAD compares: Non-Finnish European, 0.0036%; no homozygotes.

Submission:

Victorian Clinical Genetics Services, Murdoch Childrens Research Institute
Classification: Likely benign for Polycystic kidney disease, adult type. Last evaluated: 2020-05-26. Review status: criteria provided, single submitter. Criteria: ACMG Guidelines, 2015. Collection method: clinical testing. Allele origin: germline. Inheritance: Autosomal dominant inheritance.
Comment: Based on the classification scheme VCGS_Germline_v1.1.1, this variant is classified as Likely benign. Following criteria are met: 0102 - Loss-of-function is a known mechanism of disease for this gene. (N) 0107 - This gene is known to be associated with autosomal dominant disease. Predominantly caused by monoallelic variants, with rare reports of bi-allelic variants causing disease. (N) 0200 - Variant is predicted to result in a missense amino acid change from alanine to threonine (exon 11). (N) 0251 - Variant is heterozygous. (N) 0302 - Variant is present in gnomAD <0.001 for a dominant condition (5 heterozygotes, 0 homozygotes). (P) 0503 - Missense variant consistently predicted to be tolerated or not conserved in mammals with a minor amino acid change. (B) 0600 - Variant is located in an annotated domain or motif (PKD domain; PDB). (N) 0705 - No comparable variants have previous evidence for pathogenicity. (N) 0806 - Moderate previous evidence of neutrality in unrelated individuals (ADPKD Mutation Database). (B) 0905 - No segregation evidence has been identified for this variant in the literature. (N) 1007 - No published functional evidence has been identified for this variant. (N) 1208 - Inheritance information for this variant is not currently available. (N) Legend: (P) - Pathogenic, (N) - Neutral, (B) - Benign